The following is an entry in ClinVar:

ClinVar aggregate classification (germline): Uncertain significance. Review status: criteria provided, multiple submitters, no conflicts (2 of 4 stars). 3 submissions from 3 submitters: Uncertain significance (3). Last evaluated 2025-11-03.

Conditions:
Inborn genetic diseases. Identifiers: MedGen C0950123, MeSH D030342.
Leber congenital amaurosis 12 (LCA12). Identifiers: Orphanet 65, MedGen C1857743, MONDO:0012525, OMIM 610612.

Allele frequency attached by ClinVar (database versions not stated): gnomAD exomes 0.00001; TOPMed 0.00001; ExAC 0.00002; ESP Exome Variant Server 0.00015.
gnomAD v4.1: 13 of 1,614,240 alleles (0.00081%); highest among the groups gnomAD compares: African/African-American, 0.0027%; 1 homozygote.

Submissions (3):

Ambry Genetics
Classification: Uncertain significance for Inborn genetic diseases. Last evaluated: 2025-11-03. Review status: criteria provided, single submitter. Criteria: Ambry Variant Classification Scheme 2023. Collection method: clinical testing. Allele origin: germline.

Blueprint Genetics
Classification: Uncertain significance. Last evaluated: 2024-07-09. Review status: criteria provided, single submitter. Criteria: ACMG Guidelines, 2015. Collection method: clinical testing. Allele origin: germline.

Labcorp Genetics (formerly Invitae), Labcorp
Classification: Uncertain significance for Leber congenital amaurosis 12. Last evaluated: 2022-08-08. Review status: criteria provided, single submitter. Criteria: Invitae Variant Classification Sherloc (09022015). Collection method: clinical testing. Allele origin: germline.
Comment: This variant is present in population databases (rs143642612, gnomAD 0.01%). This variant has not been reported in the literature in individuals affected with RD3-related conditions. Algorithms developed to predict the effect of missense changes on protein structure and function (SIFT, PolyPhen-2, Align-GVGD) all suggest that this variant is likely to be tolerated. In summary, the available evidence is currently insufficient to determine the role of this variant in disease. Therefore, it has been classified as a Variant of Uncertain Significance. This sequence change replaces valine, which is neutral and non-polar, with isoleucine, which is neutral and non-polar, at codon 86 of the RD3 protein (p.Val86Ile).

NM_001164688.2(RD3):c.256G>A (p.Val86Ile)

Gene: RD3 (RD3 regulator of GUCY2D; minus strand). Cytogenetic location: 1q32.3.
Variant type: single nucleotide variant.
Coding change: c.256G>A on transcript NM_001164688.2 (MANE Select); coding-DNA position 256, G replaced by A.
Protein change: p.Val86Ile; replaces valine 86 with isoleucine.
Molecular consequence: missense variant.
Genome position (GRCh38, 1-based): chr1:211,481,160, C>T on the plus strand (G>A on the coding strand, the complement: RD3 is on the minus strand). VCF-style: chr1-211481160-C-T. GRCh37 (hg19) VCF-style: chr1-211654502-C-T.
Other names: c.256G>A, p.Val86Ile (NM_183059.3); c.256G>A (NM_183059.2); short protein forms V86I.
Identifiers: ClinVar variation 2150906 (VCV002150906.6), dbSNP rs143642612, ClinGen allele CA1381115.